The following is an entry in ClinVar:

NM_206933.4(USH2A):c.2473_2474del (p.Gln825fs)

Genes: USH2A (usherin; minus strand), LOC122152296 (Sharpr-MPRA regulatory region 8762; plus strand). Cytogenetic location: 1q41.
Variant type: Deletion.
Coding change: c.2473_2474del on transcript NM_206933.4 (MANE Select); coding-DNA positions 2473 to 2474, 2 bases deleted (CA; older notation c.2473_2474delCA).
Protein change: p.Gln825fs; shifts the reading frame from glutamine 825.
Molecular consequence: frameshift variant.
Genome position (GRCh38, 1-based): chr1:216,246,920-216,246,921, TG deleted on the plus strand (CA on the coding strand, the reverse complement: USH2A is on the minus strand); deleting any 2 consecutive bases within chr1:216,246,920-216,246,922 gives the same sequence; the c. name uses the placement nearest the transcript's 3' end. VCF-style (leftmost placement, unchanged base first): chr1-216246919-CTG-C. GRCh37 (hg19) VCF-style: chr1-216420261-CTG-C.
Other names: c.2473_2474del, p.Gln825fs (NM_007123.6); short protein forms Q825fs.
Identifiers: ClinVar variation 4062774 (VCV004062774.2).

ClinVar aggregate classification (germline): Pathogenic (1 of 4 stars; one submission).

Conditions:
Usher syndrome type 2A. Also called: RETINAL DISEASE IN USHER SYNDROME TYPE IIA, MODIFIER OF; USHER SYNDROME, TYPE IIA. Identifiers: Orphanet 231178, Orphanet 886, MedGen C1848634, MONDO:0010169, OMIM 276901.

Submission:

Natera, Inc.
Classification: Pathogenic for Usher syndrome type 2A. Last evaluated: 2025-02-22. Review status: criteria provided, single submitter. Criteria: Natera Variant Classification Schema (03/2026). Collection method: clinical testing. Allele origin: germline.
Comment: The c.2473_2474del variant in USH2A is a frameshift variant predicted to shift the reading frame beginning at codon 825 and leads to a stop codon 3 codons downstream. This variant is expected to result in nonsense mediated decay, truncation, or a dysfunctional protein product. This variant is rare in the general population with a frequency below the threshold expected for the associated phenotype(s). This variant has been observed in one or more individuals affected with the associated recessive disease, as either homozygous or compound heterozygous with a second variant (PMID: 39596236). Given the available evidence, this variant is classified as Pathogenic.

Literature cited by the submitters: PubMed 39596236.